The following is an entry in ClinVar:

ClinVar aggregate classification (germline): Conflicting classifications of pathogenicity. Review status: criteria provided, conflicting classifications (1 of 4 stars). 3 submissions from 3 submitters: Uncertain significance (2); Likely benign (1). Last evaluated 2025-04-06.

Conditions:
Hereditary cancer-predisposing syndrome. Also called: Neoplastic Syndromes, Hereditary; Tumor predisposition; Hereditary neoplastic syndrome; Hereditary Cancer Syndrome. Identifiers: Orphanet 140162, MedGen C0027672, MeSH D009386, MONDO:0015356.
Hereditary breast ovarian cancer syndrome. Also called: Hereditary breast and ovarian cancer syndrome; Hereditary breast and ovarian cancer; Hereditary breast and ovarian cancer syndrome (HBOC); Breast and ovarian cancer; Hereditary breast and/or ovarian cancer syndrome; BRCA1- and BRCA2-Associated Hereditary Breast and Ovarian Cancer. Identifiers: Orphanet 145, MedGen C0677776, MeSH D061325, MONDO:0003582. Disease mechanism: loss of function.

Allele frequency attached by ClinVar (database versions not stated): gnomAD exomes below 0.00001; ExAC 0.00001; gnomAD 0.00001; TOPMed 0.00002.
gnomAD v4.1: 3 of 1,613,660 alleles (0.00019%); highest among the groups gnomAD compares: Middle Eastern, 0.016%; no homozygotes.

Submissions (3):

Labcorp Genetics (formerly Invitae), Labcorp
Classification: Uncertain significance for Hereditary breast ovarian cancer syndrome. Last evaluated: 2025-04-06. Review status: criteria provided, single submitter. Criteria: Invitae Variant Classification Sherloc (09022015). Collection method: clinical testing. Allele origin: germline.
Comment: This sequence change replaces glycine, which is neutral and non-polar, with arginine, which is basic and polar, at codon 1500 of the BRCA2 protein (p.Gly1500Arg). This variant is present in population databases (rs765328255, gnomAD 0.007%). This variant has not been reported in the literature in individuals affected with BRCA2-related conditions. ClinVar contains an entry for this variant (Variation ID: 824942). Invitae Evidence Modeling of protein sequence and biophysical properties (such as structural, functional, and spatial information, amino acid conservation, physicochemical variation, residue mobility, and thermodynamic stability) indicates that this missense variant is not expected to disrupt BRCA2 protein function with a negative predictive value of 95%. In summary, the available evidence is currently insufficient to determine the role of this variant in disease. Therefore, it has been classified as a Variant of Uncertain Significance.

Ambry Genetics
Classification: Uncertain significance for Hereditary cancer-predisposing syndrome. Last evaluated: 2024-05-05. Review status: criteria provided, single submitter. Criteria: Ambry Variant Classification Scheme 2023. Collection method: clinical testing. Allele origin: germline.
Comment: The p.G1500R variant (also known as c.4498G>A), located in coding exon 10 of the BRCA2 gene, results from a G to A substitution at nucleotide position 4498. The glycine at codon 1500 is replaced by arginine, an amino acid with dissimilar properties. This variant was reported in 1/60,466 breast cancer cases and in 0/53,461 controls (Dorling et al. N Engl J Med. 2021 02;384:428-439). This amino acid position is poorly conserved in available vertebrate species. In addition, this alteration is predicted to be tolerated by in silico analysis. Since supporting evidence is limited at this time, the clinical significance of this alteration remains unclear.

University of Washington Department of Laboratory Medicine, University of Washington
Classification: Likely benign for Hereditary cancer-predisposing syndrome. Last evaluated: 2023-03-23. Review status: criteria provided, single submitter. Criteria: Dines et al. (Genet Med. 2020). Collection method: curation. Allele origin: germline.
Comment: Missense variant in a coldspot region where missense variants are very unlikely to be pathogenic (PMID:31911673).

BRCA2 exon 11 coldspot. Reclassification based on statistical prior probability.

Literature cited by the submitters: PubMed 33471991 (cited by Ambry Genetics).

NM_000059.4(BRCA2):c.4498G>A (p.Gly1500Arg)

Gene: BRCA2 (BRCA2 DNA repair associated; plus strand). Cytogenetic location: 13q13.1.
Variant type: single nucleotide variant.
Coding change: c.4498G>A on transcript NM_000059.4 (MANE Select); coding-DNA position 4498, G replaced by A.
Protein change: p.Gly1500Arg; replaces glycine 1500 with arginine.
Molecular consequence: missense variant.
Genome position (GRCh38, 1-based): chr13:32,338,853, G>A. VCF-style: chr13-32338853-G-A. GRCh37 (hg19) VCF-style: chr13-32912990-G-A.
Other names: short protein forms G1500R.
Identifiers: ClinVar variation 824942 (VCV000824942.13), dbSNP rs765328255, ClinGen allele CA6940785.